The following is an entry in ClinVar:

NM_001369268.1(ACAN):c.385G>T (p.Gly129Trp)

Gene: ACAN (aggrecan; plus strand). Cytogenetic location: 15q26.1.
Variant type: single nucleotide variant.
Coding change: c.385G>T on transcript NM_001369268.1 (MANE Select); coding-DNA position 385, G replaced by T.
Protein change: p.Gly129Trp; replaces glycine 129 with tryptophan.
Molecular consequence: missense variant.
Genome position (GRCh38, 1-based): chr15:88,838,977, G>T. VCF-style: chr15-88838977-G-T. GRCh37 (hg19) VCF-style: chr15-89382208-G-T.
Other names: c.385G>T, p.Gly129Trp (NM_001135.4, NM_001411096.1, NM_001411097.1 and 1 more transcripts); short protein forms G129W.
Identifiers: ClinVar variation 4743738 (VCV004743738.1).

ClinVar aggregate classification (germline): Uncertain significance (1 of 4 stars; one submission).

Submission:

Labcorp Genetics (formerly Invitae), Labcorp
Classification: Uncertain significance. Last evaluated: 2025-12-22. Review status: criteria provided, single submitter. Criteria: Invitae Variant Classification Sherloc (09022015). Collection method: clinical testing. Allele origin: germline.
Comment: This sequence change replaces glycine, which is neutral and non-polar, with tryptophan, which is neutral and slightly polar, at codon 129 of the ACAN protein (p.Gly129Trp). This variant is not present in population databases (gnomAD no frequency). This variant has not been reported in the literature in individuals affected with ACAN-related conditions. Invitae Evidence Modeling of protein sequence and biophysical properties (such as structural, functional, and spatial information, amino acid conservation, physicochemical variation, residue mobility, and thermodynamic stability) indicates that this missense variant is not expected to disrupt ACAN protein function with a negative predictive value of 80%. In summary, the available evidence is currently insufficient to determine the role of this variant in disease. Therefore, it has been classified as a Variant of Uncertain Significance.